The following is an entry in ClinVar:

NM_001482.3(GATM):c.279C>G (p.Ile93Met)

Gene: GATM (glycine amidinotransferase; minus strand). Cytogenetic location: 15q21.1.
Variant type: single nucleotide variant.
Coding change: c.279C>G on transcript NM_001482.3 (MANE Select); coding-DNA position 279, C replaced by G.
Protein change: p.Ile93Met; replaces isoleucine 93 with methionine.
Molecular consequence: missense variant. On other transcripts: 5 prime UTR variant (1).
Genome position (GRCh38, 1-based): chr15:45,376,610, G>C on the plus strand (C>G on the coding strand, the complement: GATM is on the minus strand). VCF-style: chr15-45376610-G-C. GRCh37 (hg19) VCF-style: chr15-45668808-G-C.
Other names: p.I93M:ATC>ATG; c.-109C>G (NM_001321015.2); short protein forms I93M.
Identifiers: ClinVar variation 205611 (VCV000205611.13), dbSNP rs192378417, ClinGen allele CA314864.

ClinVar aggregate classification (germline): Uncertain significance. Review status: criteria provided, multiple submitters, no conflicts (2 of 4 stars). 3 submissions from 3 submitters: Uncertain significance (3). Last evaluated 2024-07-11.

Conditions:
Arginine:glycine amidinotransferase deficiency (CCDS3). Also called: AGAT deficiency; L-Arginine:Glycine Amidinotransferase (AGAT) Deficiency; Cerebral creatine deficiency syndrome 3; L-Arginine:Glycine Amidinotransferase Deficiency; Creatine deficiency syndrome due to AGAT deficiency; GATM deficiency. Identifiers: Orphanet 35704, MedGen C2675179, MONDO:0012996, OMIM 612718.
Fanconi renotubular syndrome 1. Also called: FRTS1; Toni-Debre-Fanconi syndrome; Neonatal De Toni-Debre-Fanconi syndrome; De Toni-Fanconi syndrome; LUDER-SHELDON SYNDROME. Identifiers: MedGen C4551503, MONDO:0024525, OMIM 134600.

Allele frequency attached by ClinVar (database versions not stated): gnomAD 0.00003; TOPMed 0.00004; 1000 Genomes Project 30x 0.00016; 1000 Genomes Project 0.00020.

Submissions (3):

Labcorp Genetics (formerly Invitae), Labcorp
Classification: Uncertain significance for Arginine:glycine amidinotransferase deficiency. Last evaluated: 2024-07-11. Review status: criteria provided, single submitter. Criteria: Invitae Variant Classification Sherloc (09022015). Collection method: clinical testing. Allele origin: germline.
Comment: This sequence change replaces isoleucine, which is neutral and non-polar, with methionine, which is neutral and non-polar, at codon 93 of the GATM protein (p.Ile93Met). This variant is present in population databases (rs192378417, gnomAD 0.03%). This variant has not been reported in the literature in individuals affected with GATM-related conditions. ClinVar contains an entry for this variant (Variation ID: 205611). Advanced modeling of protein sequence and biophysical properties (such as structural, functional, and spatial information, amino acid conservation, physicochemical variation, residue mobility, and thermodynamic stability) performed at Invitae indicates that this missense variant is not expected to disrupt GATM protein function with a negative predictive value of 80%. In summary, the available evidence is currently insufficient to determine the role of this variant in disease. Therefore, it has been classified as a Variant of Uncertain Significance.

Fulgent Genetics
Classification: Uncertain significance for Fanconi renotubular syndrome 1; Arginine:glycine amidinotransferase deficiency. Last evaluated: 2022-03-09. Review status: criteria provided, single submitter. Criteria: ACMG Guidelines, 2015. Collection method: clinical testing. Allele origin: unknown.

GeneDx
Classification: Uncertain significance. Last evaluated: 2020-08-25. Review status: criteria provided, single submitter. Criteria: GeneDx Variant Classification Process June 2021. Collection method: clinical testing. Allele origin: germline. Affected: yes.
Comment: In silico analysis supports that this missense variant does not alter protein structure/function; Has not been previously published as pathogenic or benign to our knowledge